The following is an entry in ClinVar:

ClinVar aggregate classification (germline): Likely benign (1 of 4 stars; one submission).

Allele frequency attached by ClinVar (database versions not stated): gnomAD exomes 0.00002; ExAC 0.00005.

Submission:

CeGaT Center for Human Genetics Tuebingen
Classification: Likely benign. Last evaluated: 2024-01-01. Review status: criteria provided, single submitter. Criteria: CeGaT Center For Human Genetics Tuebingen Variant Classification Criteria Version 2. Collection method: clinical testing. Allele origin: germline. Affected: yes. Observed: 1 variant allele.
Comment: POLR2A: BP4, BP7

NM_000937.5(POLR2A):c.5373T>C (p.Ser1791=)

Gene: POLR2A (RNA polymerase II subunit A; plus strand). Cytogenetic location: 17p13.1.
Variant type: single nucleotide variant.
Coding change: c.5373T>C on transcript NM_000937.5 (MANE Select); coding-DNA position 5373, T replaced by C.
Protein change: p.Ser1791=; no amino-acid change (serine 1791 retained).
Molecular consequence: synonymous variant.
Genome position (GRCh38, 1-based): chr17:7,513,637, T>C. VCF-style: chr17-7513637-T-C. GRCh37 (hg19) VCF-style: chr17-7416956-T-C.
Identifiers: ClinVar variation 3025160 (VCV003025160.22), dbSNP rs774886697, ClinGen allele CA8350560.
Genomic context (GRCh38, chr17:7,513,637, plus strand): 5'-TACTAGTCCCAACTACACACCTACCAGCCCTAACTACAGCCCAACCTCTCCAAGCTACTC[T>C]CCAACATCACCCAGCTATTCCCCGACCTCACCAAGTTACTCCCCTTCCAGCCCACGATAC-3'
Protein context (NP_000928.1, residues 1781-1801): PNYSPTSPSY[Ser1791=]PTSPSYSPTS